The following is an entry in ClinVar:

ClinVar aggregate classification (germline): Uncertain significance. Review status: criteria provided, multiple submitters, no conflicts (2 of 4 stars). 2 submissions from 2 submitters: Uncertain significance (2). Last evaluated 2025-08-02.

Allele frequency attached by ClinVar (database versions not stated): gnomAD 0.00001; ExAC 0.00002.
gnomAD v4.1: 14 of 1,613,938 alleles (0.00087%); highest among the groups gnomAD compares: South Asian, 0.0077%; no homozygotes.

Submissions (2):

Ambry Genetics
Classification: Uncertain significance. Last evaluated: 2025-08-02. Review status: criteria provided, single submitter. Criteria: Ambry Variant Classification Scheme 2023. Collection method: clinical testing. Allele origin: germline.

Labcorp Genetics (formerly Invitae), Labcorp
Classification: Uncertain significance. Last evaluated: 2024-05-06. Review status: criteria provided, single submitter. Criteria: Invitae Variant Classification Sherloc (09022015). Collection method: clinical testing. Allele origin: germline.
Comment: This sequence change replaces valine, which is neutral and non-polar, with isoleucine, which is neutral and non-polar, at codon 484 of the MCM5 protein (p.Val484Ile). This variant is present in population databases (rs775755762, gnomAD 0.006%). This variant has not been reported in the literature in individuals affected with MCM5-related conditions. ClinVar contains an entry for this variant (Variation ID: 1905563). Advanced modeling of protein sequence and biophysical properties (such as structural, functional, and spatial information, amino acid conservation, physicochemical variation, residue mobility, and thermodynamic stability) performed at Invitae indicates that this missense variant is not expected to disrupt MCM5 protein function with a negative predictive value of 80%. In summary, the available evidence is currently insufficient to determine the role of this variant in disease. Therefore, it has been classified as a Variant of Uncertain Significance.

NM_006739.4(MCM5):c.1450G>A (p.Val484Ile)

Gene: MCM5 (minichromosome maintenance complex component 5; plus strand). Cytogenetic location: 22q12.3.
Variant type: single nucleotide variant.
Coding change: c.1450G>A on transcript NM_006739.4 (MANE Select); coding-DNA position 1450, G replaced by A.
Protein change: p.Val484Ile; replaces valine 484 with isoleucine.
Molecular consequence: missense variant.
Genome position (GRCh38, 1-based): chr22:35,416,674, G>A. VCF-style: chr22-35416674-G-A. GRCh37 (hg19) VCF-style: chr22-35812667-G-A.
Other names: c.1450G>A (NM_006739.3); short protein forms V484I.
Identifiers: ClinVar variation 1905563 (VCV001905563.6), dbSNP rs775755762, ClinGen allele CA10205389.